The following is an entry in ClinVar:

NM_000090.4(COL3A1):c.3007C>T (p.Leu1003=)

Gene: COL3A1 (collagen type III alpha 1 chain; plus strand). Cytogenetic location: 2q32.2.
Variant type: single nucleotide variant.
Coding change: c.3007C>T on transcript NM_000090.4 (MANE Select); coding-DNA position 3007, C replaced by T.
Protein change: p.Leu1003=; no amino-acid change (leucine 1003 retained).
Molecular consequence: synonymous variant.
Genome position (GRCh38, 1-based): chr2:189,005,425, C>T. VCF-style: chr2-189005425-C-T. GRCh37 (hg19) VCF-style: chr2-189870151-C-T.
Identifiers: ClinVar variation 920031 (VCV000920031.3), dbSNP rs868559197, ClinGen allele CA62558474.

ClinVar aggregate classification (germline): Likely benign. Review status: criteria provided, multiple submitters, no conflicts (2 of 4 stars). 2 submissions from 2 submitters: Likely benign (2). Last evaluated 2024-06-09.

Conditions:
Familial thoracic aortic aneurysm and aortic dissection (TAAD). Also called: Thoracic aortic aneurysms and dissections. Identifiers: Orphanet 91387, MedGen C4707243, MONDO:0019625.
Ehlers-Danlos syndrome, type 4 (EDSVASC). Also called: Ehlers-Danlos Syndrome Type IV; Ehlers-Danlos syndrome vascular type; Ehlers Danlos syndrome, ecchymotic type; Ehlers Danlos syndrome, arterial type; Ehlers Danlos syndrome, Sack-Barabas type. Identifiers: Orphanet 286, MedGen C0268338, MONDO:0017314, OMIM 130050.

Allele frequency attached by ClinVar (database versions not stated): gnomAD exomes below 0.00001.
gnomAD v4.1: 5 of 1,614,038 alleles (0.00031%); highest among the groups gnomAD compares: Non-Finnish European, 0.00042%; no homozygotes.

Submissions (2):

All of Us Research Program, National Institutes of Health
Classification: Likely benign for Ehlers-Danlos syndrome, type 4. Last evaluated: 2024-06-09. Review status: criteria provided, single submitter. Criteria: ACMG Guidelines, 2015. Collection method: clinical testing. Allele origin: germline. Inheritance: Autosomal dominant inheritance. Observed: 1 variant allele, 1 heterozygote.
Comment: This study involves interpretation of variants in research participants for the purpose of population health screening. Participant phenotype was not available at the time of variant classification. Additional details can be found in publication PMID: 35346344, PMCID: PMC8962531

Color Diagnostics, LLC DBA Color Health
Classification: Likely benign for Familial thoracic aortic aneurysm and aortic dissection. Last evaluated: 2020-02-03. Review status: criteria provided, single submitter. Criteria: ACMG Guidelines, 2015. Collection method: clinical testing. Allele origin: germline.